The following is an entry in ClinVar:

ClinVar aggregate classification (germline): Uncertain significance. Review status: criteria provided, multiple submitters, no conflicts (2 of 4 stars). 2 submissions from 2 submitters: Uncertain significance (2). Last evaluated 2023-11-24.

Conditions:
Norman-Roberts syndrome (LIS2). Also called: Lissencephaly 2 (Norman-Roberts type). Identifiers: Orphanet 89844, MedGen C0796089, MONDO:0009760, OMIM 257320.
Familial temporal lobe epilepsy 7. Identifiers: Orphanet 101046, MedGen C4225327, MONDO:0014639, OMIM 616436.

Allele frequency attached by ClinVar (database versions not stated): gnomAD exomes below 0.00001 and 0.00001; ExAC 0.00001; gnomAD 0.00001.
gnomAD v4.1: 10 of 1,613,958 alleles (0.00062%); highest among the groups gnomAD compares: Non-Finnish European, 0.00076%; no homozygotes.

Submissions (2):

Labcorp Genetics (formerly Invitae), Labcorp
Classification: Uncertain significance for Familial temporal lobe epilepsy 7; Norman-Roberts syndrome. Last evaluated: 2023-11-24. Review status: criteria provided, single submitter. Criteria: Invitae Variant Classification Sherloc (09022015). Collection method: clinical testing. Allele origin: germline.
Comment: This sequence change falls in intron 48 of the RELN gene. It does not directly change the encoded amino acid sequence of the RELN protein. It affects a nucleotide within the consensus splice site. This variant is present in population databases (rs748053614, gnomAD 0.0009%). This variant has not been reported in the literature in individuals affected with RELN-related conditions. ClinVar contains an entry for this variant (Variation ID: 358387). Variants that disrupt the consensus splice site are a relatively common cause of aberrant splicing (PMID: 17576681, 9536098). Algorithms developed to predict the effect of sequence changes on RNA splicing suggest that this variant is not likely to affect RNA splicing. In summary, the available evidence is currently insufficient to determine the role of this variant in disease. Therefore, it has been classified as a Variant of Uncertain Significance.

Illumina Laboratory Services, Illumina
Classification: Uncertain significance for Norman-Roberts syndrome. Last evaluated: 2018-01-13. Review status: criteria provided, single submitter. Criteria: ICSL Variant Classification Criteria 13 December 2019. Collection method: clinical testing. Allele origin: germline.

Literature cited by the submitters: PubMed 17576681 (cited by Labcorp Genetics (formerly Invitae), Labcorp); PubMed 9536098 (cited by Labcorp Genetics (formerly Invitae), Labcorp).

NM_005045.4(RELN):c.7668+3G>T

Gene: RELN (reelin; minus strand). Cytogenetic location: 7q22.1.
Variant type: single nucleotide variant.
Coding change: c.7668+3G>T on transcript NM_005045.4 (MANE Select); 3 bases into the intron after coding-DNA position 7668, G replaced by T.
Molecular consequence: intron variant.
Genome position (GRCh38, 1-based): chr7:103,522,019, C>A on the plus strand (G>T on the coding strand, the complement: RELN is on the minus strand). VCF-style: chr7-103522019-C-A. GRCh37 (hg19) VCF-style: chr7-103162466-C-A.
Other names: c.7668+3G>T (NM_173054.3).
Identifiers: ClinVar variation 358387 (VCV000358387.12), dbSNP rs748053614, ClinGen allele CA4420692.
Genomic context (GRCh38, chr7:103,522,019, plus strand): 5'-AGTCAACTATTTGGAAGGAACTTAAGAAGAGCAGAAATGAGTAACCAGCAGCCAAACACT[C>A]ACCCCACTGAAATGGAGAGCCATTCCCGACGCCACGGCTCCACACACTGTACTCAATTTC-3'